The following is an entry in ClinVar:

ClinVar aggregate classification (germline): Benign/Likely benign. Review status: criteria provided, multiple submitters, no conflicts (2 of 4 stars). 15 submissions from 15 submitters: Benign (8); Likely benign (4). 3 of the submissions do not count toward it. Last evaluated 2026-08-01.

Conditions:
Familial thoracic aortic aneurysm and aortic dissection (TAAD). Also called: Thoracic aortic aneurysms and dissections. Identifiers: Orphanet 91387, MedGen C4707243, MONDO:0019625.
Aortic aneurysm, familial thoracic 4 (AAT4). Also called: AORTIC ANEURYSM/AORTIC DISSECTION AND PATENT DUCTUS ARTERIOSUS. Identifiers: MedGen C1851504, MONDO:0007568, OMIM 132900.

Allele frequency attached by ClinVar (database versions not stated): gnomAD exomes 0.00077; ExAC 0.00101; 1000 Genomes Project 30x 0.00187; 1000 Genomes Project 0.00200; gnomAD 0.00245 and 0.00257; TOPMed 0.00265; ESP Exome Variant Server 0.00269.
gnomAD v4.1: 1,129 of 1,613,964 alleles (0.07%); highest among the groups gnomAD compares: African/African-American, 0.8%; 4 homozygotes.

Submissions (15):

CeGaT Center for Human Genetics Tuebingen
Classification: Likely benign. Last evaluated: 2026-08-01. Review status: criteria provided, single submitter. Criteria: CeGaT Center For Human Genetics Tuebingen Variant Classification Criteria Version 2. Collection method: clinical testing. Allele origin: germline. Affected: yes. Observed: 1 variant allele.
Comment: MYH11: BP4, BP7

Labcorp Genetics (formerly Invitae), Labcorp
Classification: Benign for Aortic aneurysm, familial thoracic 4. Last evaluated: 2026-02-03. Review status: criteria provided, single submitter. Criteria: Invitae Variant Classification Sherloc (09022015). Collection method: clinical testing. Allele origin: germline.

Molecular Diagnostic Laboratory for Inherited Cardiovascular Disease, Montreal Heart Institute
Classification: Benign. Last evaluated: 2025-04-09. Review status: criteria provided, single submitter. Criteria: ACMG Guidelines, 2015. Collection method: clinical testing. Allele origin: germline. Affected: no.
Comment: BS1;BP7

Blueprint Genetics
Classification: Likely benign. Last evaluated: 2024-10-09. Review status: criteria provided, single submitter. Criteria: ACMG Guidelines, 2015. Collection method: clinical testing. Allele origin: germline.

ARUP Laboratories, Molecular Genetics and Genomics, ARUP Laboratories
Classification: Benign. Last evaluated: 2024-08-23. Review status: criteria provided, single submitter. Criteria: ARUP Molecular Germline Variant Investigation Process 2024. Collection method: clinical testing. Allele origin: germline.

All of Us Research Program, National Institutes of Health
Classification: Benign for Familial thoracic aortic aneurysm and aortic dissection. Last evaluated: 2024-02-05. Review status: criteria provided, single submitter. Criteria: ACMG Guidelines, 2015. Collection method: clinical testing. Allele origin: germline. Inheritance: Autosomal dominant inheritance. Observed: 217 variant alleles, 217 heterozygotes.
Comment: This study involves interpretation of variants in research participants for the purpose of population health screening. Participant phenotype was not available at the time of variant classification. Additional details can be found in publication PMID: 35346344, PMCID: PMC8962531

CHEO Genetics Diagnostic Laboratory, Children's Hospital of Eastern Ontario
Classification: Benign for Familial thoracic aortic aneurysm and aortic dissection. Last evaluated: 2023-04-28. Review status: criteria provided, single submitter. Criteria: ACMG Guidelines, 2015. Collection method: clinical testing. Allele origin: germline. Study: Canadian Open Genetics Repository.

Color Diagnostics, LLC DBA Color Health
Classification: Benign for Familial thoracic aortic aneurysm and aortic dissection. Last evaluated: 2018-10-30. Review status: criteria provided, single submitter. Criteria: ACMG Guidelines, 2015. Collection method: clinical testing. Allele origin: germline.

Illumina Laboratory Services, Illumina
Classification: Likely benign for Aortic aneurysm, familial thoracic 4. Last evaluated: 2018-01-12. Review status: criteria provided, single submitter. Criteria: ICSL Variant Classification Criteria 13 December 2019. Collection method: clinical testing. Allele origin: germline.
Comment: This variant was observed in the ICSL laboratory as part of a predisposition screen in an ostensibly healthy population. It had not been previously curated by ICSL or reported in the Human Gene Mutation Database (HGMD: prior to June 1st, 2018), and was therefore a candidate for classification through an automated scoring system. Utilizing variant allele frequency, disease prevalence and penetrance estimates, and inheritance mode, an automated score was calculated to assess if this variant is too frequent to cause the disease. Based on the score and internal cut-off values, a variant classified as likely benign is not then subjected to further curation. The score for this variant resulted in a classification of likely benign for this disease.

Ambry Genetics
Classification: Likely benign for Familial thoracic aortic aneurysm and aortic dissection. Last evaluated: 2016-04-21. Review status: criteria provided, single submitter. Criteria: Ambry Variant Classification Scheme 2023. Collection method: clinical testing. Allele origin: germline.

GeneDx
Classification: Benign. Last evaluated: 2013-04-15. Review status: criteria provided, single submitter. Criteria: GeneDx Variant Classification (06012015). Collection method: clinical testing. Allele origin: germline. Affected: yes.
Comment: This variant is considered likely benign or benign based on one or more of the following criteria: it is a conservative change, it occurs at a poorly conserved position in the protein, it is predicted to be benign by multiple in silico algorithms, and/or has population frequency not consistent with disease.

PreventionGenetics, part of Exact Sciences
Classification: Benign. Review status: criteria provided, single submitter. Criteria: ACMG Guidelines, 2015. Collection method: clinical testing. Allele origin: germline.

Clinical Genetics DNA and cytogenetics Diagnostics Lab, Erasmus MC, Erasmus Medical Center
Classification: Likely benign. Review status: no assertion criteria provided. Collection method: clinical testing. Allele origin: germline. Affected: yes. Study: VKGL Data-share Consensus. Not counted in ClinVar's aggregate classification.

Genome Diagnostics Laboratory, Amsterdam University Medical Center
Classification: Likely benign. Review status: no assertion criteria provided. Collection method: clinical testing. Allele origin: germline. Affected: yes. Study: VKGL Data-share Consensus. Not counted in ClinVar's aggregate classification.

Genome Diagnostics Laboratory, University Medical Center Utrecht
Classification: Likely benign. Review status: no assertion criteria provided. Collection method: clinical testing. Allele origin: germline. Affected: yes. Study: VKGL Data-share Consensus. Not counted in ClinVar's aggregate classification.

NM_002474.3(MYH11):c.5691C>T (p.Asn1897=)

Genes: MYH11 (myosin heavy chain 11; minus strand), NDE1 (nudE neurodevelopment protein 1; plus strand). Cytogenetic location: 16p13.11.
Variant type: single nucleotide variant.
Coding change: c.5691C>T on transcript NM_002474.3 (MANE Select); coding-DNA position 5691, C replaced by T.
Protein change: p.Asn1897=; no amino-acid change (asparagine 1897 retained).
Molecular consequence: synonymous variant. On other transcripts: intron variant (2).
Genome position (GRCh38, 1-based): chr16:15,715,004, G>A on the plus strand (C>T on the coding strand, the complement: MYH11 is on the minus strand). VCF-style: chr16-15715004-G-A. GRCh37 (hg19) VCF-style: chr16-15808861-G-A.
Other names: p.N1897N:AAC>AAT; c.5712C>T, p.Asn1904= (NM_001040113.2, NM_001040114.2); c.5691C>T, p.Asn1897= (NM_022844.3); c.948-9187G>A (NM_001143979.2, NM_017668.3).
Identifiers: ClinVar variation 138359 (VCV000138359.40), dbSNP rs149566621, ClinGen allele CA292335.
Genomic context (GRCh38, chr16:15,715,004, plus strand): 5'-CATGGCCTCGTTGCTCTCCGTGGCCTCATCCAGCTCCCGCTGCAGCTTCCTGCGGTTGGC[G>A]TTGATGCGCTGGGACTCCTCCTCTGCCTCCTCCAGCTGCCTCTTGAGCTGCTTGACCCTG-3'
Protein context (NP_002465.1, residues 1887-1907): EEAEEESQRI[Asn1897=]ANRRKLQREL